The following is an entry in ClinVar:

NM_001267550.2(TTN):c.56962+1G>A

Genes: TTN-AS1 (TTN antisense RNA 1; plus strand), TTN (titin; minus strand). Cytogenetic location: 2q31.2.
Variant type: single nucleotide variant.
Coding change: c.56962+1G>A on transcript NM_001267550.2 (MANE Select); the canonical splice donor site of the intron after coding-DNA position 56962, G replaced by A.
Molecular consequence: splice donor variant.
Genome position (GRCh38, 1-based): chr2:178,598,747, C>T on the plus strand (G>A on the coding strand, the complement: TTN is on the minus strand). VCF-style: chr2-178598747-C-T. GRCh37 (hg19) VCF-style: chr2-179463474-C-T.
Other names: c.29767+1G>A (NM_003319.4); c.30343+1G>A (NM_133437.4); c.30142+1G>A (NM_133432.3); c.49258+1G>A (NM_133378.4); c.52039+1G>A (NM_001256850.1).
Identifiers: ClinVar variation 2940362 (VCV002940362.4), dbSNP rs2469860660, ClinGen allele CA349524940.
Genomic context (GRCh38, chr2:178,598,747, plus strand): 5'-ACTTTTCCAAGGCACTTTTGGAAAATAAGATTTAAAAAAAAGGAATGGTTTCCAGGCTTA[C>T]CAATTGGATCTCTAGCAGTCGCTGGGTCTGATGGCAGACTTGCTGGACCCACGCCAGCAG-3'

ClinVar aggregate classification (germline): Conflicting classifications of pathogenicity. Review status: criteria provided, conflicting classifications (1 of 4 stars). 2 submissions from 2 submitters: Likely pathogenic (1); Uncertain significance (1). Last evaluated 2024-04-11.

Conditions:
Dilated cardiomyopathy 1G (CMD1G). Identifiers: Orphanet 154, MedGen C1858763, MONDO:0011400, OMIM 604145.
Autosomal recessive limb-girdle muscular dystrophy type 2J (LGMDR10). Also called: Limb-girdle muscular dystrophy, type 2J; MUSCULAR DYSTROPHY, LIMB-GIRDLE, AUTOSOMAL RECESSIVE 10. Identifiers: Orphanet 140922, MedGen C1837342, MONDO:0012127, OMIM 608807.
Cardiovascular phenotype. Identifiers: MedGen CN230736.

Allele frequency attached by ClinVar (database versions not stated): gnomAD exomes below 0.00001.
gnomAD v4.1: 1 of 1,610,638 alleles (0.000062%); highest among the groups gnomAD compares: Admixed American, 0.0017%; no homozygotes.

Submissions (2):

Ambry Genetics
Classification: Uncertain significance for Cardiovascular phenotype. Last evaluated: 2024-04-11. Review status: criteria provided, single submitter. Criteria: Ambry Variant Classification Scheme 2023. Collection method: clinical testing. Allele origin: germline.
Comment: The c.29767+1G>A intronic variant results from a G to A substitution one nucleotide after coding exon 118 of the TTN gene. Exon 118 is located in the A-band region of the N2-B isoform of the titin protein and is constitutively expressed in TTN transcripts (percent spliced in or PSI 100%). This nucleotide position is highly conserved in available vertebrate species. In silico splice site analysis predicts that this alteration will weaken the native splice donor site. This alteration disrupts the canonical splice site and is expected to cause aberrant splicing. However, although direct evidence is unavailable, this alteration is predicted to result in an in-frame transcript that is not expected to trigger nonsense-mediated mRNA decay. The exact functional effect of the predicted splice impact is unknown. Based on the available evidence, the clinical significance of this variant remains unclear.

Labcorp Genetics (formerly Invitae), Labcorp
Classification: Likely pathogenic for Dilated cardiomyopathy 1G; Autosomal recessive limb-girdle muscular dystrophy type 2J. Last evaluated: 2023-06-15. Review status: criteria provided, single submitter. Criteria: Invitae Variant Classification Sherloc (09022015). Collection method: clinical testing. Allele origin: germline.
Comment: This variant is located in the A band of TTN (PMID: 25589632). Truncating variants in this region are significantly overrepresented in patients affected with dilated cardiomyopathy (PMID: 25589632). Truncating variants in this region have also been reported in individuals affected with autosomal recessive centronuclear myopathy (PMID: 23975875). In summary, the currently available evidence indicates that the variant is pathogenic, but additional data are needed to prove that conclusively. Therefore, this variant has been classified as Likely Pathogenic. Algorithms developed to predict the effect of sequence changes on RNA splicing suggest that this variant may disrupt the consensus splice site. This variant has not been reported in the literature in individuals affected with TTN-related conditions. This variant is not present in population databases (gnomAD no frequency). This sequence change affects a donor splice site in intron 291 of the TTN gene. It is expected to disrupt RNA splicing and likely results in a truncated or disrupted TTN protein.

Literature cited by the submitters: PubMed 25589632 (cited by Labcorp Genetics (formerly Invitae), Labcorp); PubMed 23975875 (cited by Labcorp Genetics (formerly Invitae), Labcorp).